The following is an entry in ClinVar:

ClinVar aggregate classification (germline): Conflicting classifications of pathogenicity. Review status: criteria provided, conflicting classifications (1 of 4 stars). 2 submissions from 2 submitters: Uncertain significance (1); Likely benign (1). Last evaluated 2023-03-23.

Conditions:
Hereditary cancer-predisposing syndrome. Also called: Hereditary neoplastic syndrome; Neoplastic Syndromes, Hereditary; Hereditary Cancer Syndrome; Tumor predisposition. Identifiers: Orphanet 140162, MedGen C0027672, MeSH D009386, MONDO:0015356.
Hereditary breast ovarian cancer syndrome. Also called: BRCA1- and BRCA2-Associated Hereditary Breast and Ovarian Cancer; Hereditary breast and ovarian cancer syndrome (HBOC); Hereditary breast and/or ovarian cancer syndrome; Hereditary breast and ovarian cancer syndrome; Hereditary breast and ovarian cancer; Breast and ovarian cancer. Identifiers: Orphanet 145, MedGen C0677776, MeSH D061325, MONDO:0003582. Disease mechanism: loss of function.

Submissions (2):

University of Washington Department of Laboratory Medicine, University of Washington
Classification: Likely benign for Hereditary cancer-predisposing syndrome. Last evaluated: 2023-03-23. Review status: criteria provided, single submitter. Criteria: Dines et al. (Genet Med. 2020). Collection method: curation. Allele origin: germline.
Comment: Missense variant in a coldspot region where missense variants are very unlikely to be pathogenic (PMID:31911673).

BRCA2 exon 11 coldspot. Reclassification based on statistical prior probability.

Labcorp Genetics (formerly Invitae), Labcorp
Classification: Uncertain significance for Hereditary breast ovarian cancer syndrome. Last evaluated: 2022-10-26. Review status: criteria provided, single submitter. Criteria: Invitae Variant Classification Sherloc (09022015). Collection method: clinical testing. Allele origin: germline.
Comment: This sequence change replaces leucine, which is neutral and non-polar, with isoleucine, which is neutral and non-polar, at codon 1019 of the BRCA2 protein (p.Leu1019Ile). In summary, the available evidence is currently insufficient to determine the role of this variant in disease. Therefore, it has been classified as a Variant of Uncertain Significance. Advanced modeling of protein sequence and biophysical properties (such as structural, functional, and spatial information, amino acid conservation, physicochemical variation, residue mobility, and thermodynamic stability) performed at Invitae indicates that this missense variant is not expected to disrupt BRCA2 protein function. This variant has not been reported in the literature in individuals affected with BRCA2-related conditions. This variant is not present in population databases (gnomAD no frequency).

NM_000059.4(BRCA2):c.3055C>A (p.Leu1019Ile)

Gene: BRCA2 (BRCA2 DNA repair associated; plus strand). Cytogenetic location: 13q13.1.
Variant type: single nucleotide variant.
Coding change: c.3055C>A on transcript NM_000059.4 (MANE Select); coding-DNA position 3055, C replaced by A.
Protein change: p.Leu1019Ile; replaces leucine 1019 with isoleucine.
Molecular consequence: missense variant.
Genome position (GRCh38, 1-based): chr13:32,337,410, C>A. VCF-style: chr13-32337410-C-A. GRCh37 (hg19) VCF-style: chr13-32911547-C-A.
Other names: c.3055C>A, p.Leu1019Ile (NM_001406719.1, NM_001406720.1); short protein forms L1019I.
Identifiers: ClinVar variation 1721500 (VCV001721500.8), dbSNP rs55638633, ClinGen allele CA387775084.